The following is an entry in ClinVar:

ClinVar aggregate classification (germline): Pathogenic (1 of 4 stars; one submission).

Submission:

Labcorp Genetics (formerly Invitae), Labcorp
Classification: Pathogenic. Last evaluated: 2025-03-17. Review status: criteria provided, single submitter. Criteria: Invitae Variant Classification Sherloc (09022015). Collection method: clinical testing. Allele origin: germline.
Comment: This sequence change creates a premature translational stop signal (p.Glu381*) in the PHF21A gene. It is expected to result in an absent or disrupted protein product. Loss-of-function variants in PHF21A are known to be pathogenic (PMID: 30487643). This variant is not present in population databases (gnomAD no frequency). This variant has not been reported in the literature in individuals affected with PHF21A-related conditions. Algorithms developed to predict the effect of sequence changes on RNA splicing suggest that this variant may disrupt the consensus splice site. For these reasons, this variant has been classified as Pathogenic.

Literature cited by the submitters: PubMed 30487643.

NM_001352027.3(PHF21A):c.1144G>T (p.Glu382Ter)

Gene: PHF21A (PHD finger protein 21A; minus strand). Cytogenetic location: 11p11.2.
Variant type: single nucleotide variant.
Coding change: c.1144G>T on transcript NM_001352027.3 (MANE Select); coding-DNA position 1144, G replaced by T.
Protein change: p.Glu382Ter; replaces glutamic acid 382 with a stop codon.
Molecular consequence: nonsense. On other transcripts: non-coding transcript variant (2).
Genome position (GRCh38, 1-based): chr11:45,950,209, C>A on the plus strand (G>T on the coding strand, the complement: PHF21A is on the minus strand). VCF-style: chr11-45950209-C-A. GRCh37 (hg19) VCF-style: chr11-45971760-C-A.
Other names: c.1141G>T, p.Glu381Ter (NM_001101802.3, NM_001352030.3, NM_001352031.3 and 1 more transcripts); c.1144G>T, p.Glu382Ter (NM_001352025.3, NM_001352026.3, NM_001352028.1 and 2 more transcripts); short protein forms E381*, E382*.
Identifiers: ClinVar variation 3654770 (VCV003654770.2).
Genomic context (GRCh38, chr11:45,950,209, plus strand): 5'-TCAGGAACAAAGCTGTGGGCCAGAAAAAAAGGCAGTGCCAAGAATATCTTCTCTTACCTT[C>A]TAGATGGTCATGTGTTACCAACCCTAGAGACACCATGAAGGCAAGTTTCTGTGCCAGAGA-3'